The following is an entry in ClinVar:

ClinVar aggregate classification (germline): Uncertain significance (1 of 4 stars; one submission).

gnomAD v4.1: 4 of 1,613,388 alleles (0.00025%); highest among the groups gnomAD compares: African/African-American, 0.004%; no homozygotes.

Submission:

GeneDx
Classification: Uncertain significance. Last evaluated: 2026-06-30. Review status: criteria provided, single submitter. Criteria: GeneDx Variant Classification Process June 2021. Collection method: clinical testing. Allele origin: germline.
Comment: Not observed at significant frequency in large population cohorts (gnomAD); In silico analysis supports a deleterious effect on splicing; Has not been previously published as pathogenic or benign to our knowledge

NM_206933.4(USH2A):c.9571-9A>G

Gene: USH2A (usherin; minus strand). Cytogenetic location: 1q41.
Variant type: single nucleotide variant.
Coding change: c.9571-9A>G on transcript NM_206933.4 (MANE Select); 9 bases into the intron before coding-DNA position 9571, A replaced by G.
Molecular consequence: intron variant.
Genome position (GRCh38, 1-based): chr1:215,813,913, T>C on the plus strand (A>G on the coding strand, the complement: USH2A is on the minus strand). VCF-style: chr1-215813913-T-C. GRCh37 (hg19) VCF-style: chr1-215987255-T-C.
Identifiers: ClinVar variation 4538638 (VCV004538638.2).